The following is an entry in ClinVar:

NM_000492.4(CFTR):c.869+1055G>C

Genes: CFTR (CF transmembrane conductance regulator; plus strand), LOC113219471 (greater CFTR locus negative regulatory element CR19; plus strand). Cytogenetic location: 7q31.2.
Variant type: single nucleotide variant.
Coding change: c.869+1055G>C on transcript NM_000492.4 (MANE Select); 1055 bases into the intron after coding-DNA position 869, G replaced by C.
Molecular consequence: intron variant.
Genome position (GRCh38, 1-based): chr7:117,537,728, G>C. VCF-style: chr7-117537728-G-C. GRCh37 (hg19) VCF-style: chr7-117177782-G-C.
Identifiers: ClinVar variation 4280027 (VCV004280027.1).

ClinVar aggregate classification (germline): Uncertain significance (1 of 4 stars; one submission).

Conditions:
Cystic fibrosis (CF). Also called: MUCOVISCIDOSIS. Identifiers: Orphanet 586, MedGen C0010674, MONDO:0009061, OMIM 219700. Disease mechanism: loss of function.

Submission:

Johns Hopkins Genomics, Johns Hopkins University
Classification: Uncertain significance for Cystic fibrosis. Last evaluated: 2024-08-28. Review status: criteria provided, single submitter. Criteria: ACMG Guidelines, 2015. Collection method: clinical testing. Allele origin: germline.
Comment: This CFTR variant (rs1436961089) is rare (<0.1%) in a large population dataset (gnomADv4.1.0: 1/152172 total alleles; 0.0007%; no homozygotes) and has not been reported in ClinVar nor the literature, to our knowledge. Bioinformatic analysis predicts that this intronic variant may create a cryptic acceptor splice site and lead to CFTR missplicing, although this has not been confirmed experimentally to our knowledge. Due to this lack of functional data, we consider the clinical significance of CFTR c.869+1055G>C to be uncertain at this time.